The following is an entry in ClinVar:

ClinVar aggregate classification (germline): Uncertain significance (1 of 4 stars; one submission).

Allele frequency attached by ClinVar (database versions not stated): gnomAD exomes below 0.00001; TOPMed below 0.00001.
gnomAD v4.1: 1 of 1,063,226 alleles (0.000094%); highest among the groups gnomAD compares: Non-Finnish European, 0.00012%; no homozygotes.

Submission:

Labcorp Genetics (formerly Invitae), Labcorp
Classification: Uncertain significance. Last evaluated: 2023-07-18. Review status: criteria provided, single submitter. Criteria: Invitae Variant Classification Sherloc (09022015). Collection method: clinical testing. Allele origin: germline.
Comment: This variant has not been reported in the literature in individuals affected with BCL11B-related conditions. This variant is not present in population databases (gnomAD no frequency). This sequence change replaces glutamic acid, which is acidic and polar, with glutamine, which is neutral and polar, at codon 543 of the BCL11B protein (p.Glu543Gln). In summary, the available evidence is currently insufficient to determine the role of this variant in disease. Therefore, it has been classified as a Variant of Uncertain Significance. Advanced modeling of protein sequence and biophysical properties (such as structural, functional, and spatial information, amino acid conservation, physicochemical variation, residue mobility, and thermodynamic stability) performed at Invitae indicates that this missense variant is not expected to disrupt BCL11B protein function.

NM_138576.4(BCL11B):c.1627G>C (p.Glu543Gln)

Gene: BCL11B (BCL11 transcription factor B; minus strand). Cytogenetic location: 14q32.2.
Variant type: single nucleotide variant.
Coding change: c.1627G>C on transcript NM_138576.4 (MANE Select); coding-DNA position 1627, G replaced by C.
Protein change: p.Glu543Gln; replaces glutamic acid 543 with glutamine.
Molecular consequence: missense variant.
Genome position (GRCh38, 1-based): chr14:99,175,209, C>G on the plus strand (G>C on the coding strand, the complement: BCL11B is on the minus strand). VCF-style: chr14-99175209-C-G. GRCh37 (hg19) VCF-style: chr14-99641546-C-G.
Other names: c.1624G>C, p.Glu542Gln (NM_001282237.2); c.1411G>C, p.Glu471Gln (NM_001282238.2); c.1414G>C, p.Glu472Gln (NM_022898.3); short protein forms E471Q, E472Q, E542Q, E543Q.
Identifiers: ClinVar variation 2901461 (VCV002901461.3), dbSNP rs1346665156, ClinGen allele CA390934950.